The following is an entry in ClinVar:

NM_004006.3(DMD):c.9225-675A>G

Gene: DMD (dystrophin; minus strand). Cytogenetic location: Xp21.2.
Variant type: single nucleotide variant.
Coding change: c.9225-675A>G on transcript NM_004006.3 (MANE Select); 675 bases into the intron before coding-DNA position 9225, A replaced by G.
Molecular consequence: intron variant.
Genome position (GRCh38, 1-based): chrX:31,261,691, T>C on the plus strand (A>G on the coding strand, the complement: DMD is on the minus strand). VCF-style: chrX-31261691-T-C. GRCh37 (hg19) VCF-style: chrX-31279808-T-C.
Other names: c.9201-675A>G (NM_000109.4); c.5202-675A>G (NM_004011.4); c.5193-675A>G (NM_004012.4); c.1845-675A>G (NM_004023.3, NM_004020.4, NM_004022.3 and 2 more transcripts); c.1038-675A>G (NM_004014.3); c.21-675A>G (NM_004018.3, NM_004017.3, NM_004016.3 and 2 more transcripts); c.9213-675A>G (NM_004009.3); c.8856-675A>G (NM_004010.3).
Identifiers: ClinVar variation 671449 (VCV000671449.2), dbSNP rs12015000, ClinGen allele CA15005067.
Genomic context (GRCh38, chrX:31,261,691, plus strand): 5'-CTATACACCACTACACCTCTTCCTATATTTACTTGGGCCTGAATGAAGCATTCACAGCTG[T>C]CTTCCATTTCTTGAAGTGTGGTTGCTGGCTATCAGCTCCTGCCACAAAAAGAACAAAACA-3'

ClinVar aggregate classification (germline): Benign. Review status: criteria provided, single submitter (1 of 4 stars). 2 submissions from 2 submitters: Benign (1). 1 of the submissions does not count toward it. Last evaluated 2018-06-15.

Conditions:
Duchenne muscular dystrophy (DMD). Also called: MUSCULAR DYSTROPHY, PSEUDOHYPERTROPHIC PROGRESSIVE, DUCHENNE TYPE; Duchenne Muscular Dystrophy (DMD). Identifiers: Orphanet 98896, MedGen C0013264, MONDO:0010679, OMIM 310200.
Dystrophin deficiency.
Becker muscular dystrophy (BMD). Also called: MUSCULAR DYSTROPHY, PSEUDOHYPERTROPHIC PROGRESSIVE, BECKER TYPE; Becker Muscular Dystrophy (BMD). Identifiers: Orphanet 98895, MedGen C0917713, MONDO:0010311, OMIM 300376.
Cardiomyopathy (CMYO). Also called: Cardiomyopathies. Identifiers: Orphanet 167848, MedGen C0878544, MONDO:0004994, HP:0001638. Inheritance: Various modes of inheritance.

Allele frequency attached by ClinVar (database versions not stated): 1000 Genomes Project 0.20053; 1000 Genomes Project 30x 0.20645; gnomAD exomes 0.22535; gnomAD 0.25076 and 0.25497; TOPMed 0.25766.
gnomAD v4.1: 28,064 of 111,452 alleles (25%); highest among the groups gnomAD compares: Middle Eastern, 34%; 2,769 homozygotes.

Submissions (2):

GeneDx
Classification: Benign. Last evaluated: 2018-06-15. Review status: criteria provided, single submitter. Criteria: GeneDx Variant Classification (06012015). Collection method: clinical testing. Allele origin: germline. Affected: yes.
Comment: This variant is considered likely benign or benign based on one or more of the following criteria: it is a conservative change, it occurs at a poorly conserved position in the protein, it is predicted to be benign by multiple in silico algorithms, and/or has population frequency not consistent with disease.

Natera, Inc.
Classification: Benign for Becker muscular dystrophy; Cardiomyopathy; Duchenne muscular dystrophy; Dystrophin deficiency. Last evaluated: 2017-04-20. Review status: no assertion criteria provided. Collection method: clinical testing. Allele origin: germline. Not counted in ClinVar's aggregate classification.